The following is an entry in ClinVar:

NM_001267550.2(TTN):c.62272G>A (p.Glu20758Lys)

Genes: TTN (titin; minus strand), TTN-AS1 (TTN antisense RNA 1; plus strand). Cytogenetic location: 2q31.2.
Variant type: single nucleotide variant.
Coding change: c.62272G>A on transcript NM_001267550.2 (MANE Select); coding-DNA position 62272, G replaced by A.
Protein change: p.Glu20758Lys; replaces glutamic acid 20758 with lysine.
Molecular consequence: missense variant.
Genome position (GRCh38, 1-based): chr2:178,589,453, C>T on the plus strand (G>A on the coding strand, the complement: TTN is on the minus strand). VCF-style: chr2-178589453-C-T. GRCh37 (hg19) VCF-style: chr2-179454180-C-T.
Other names: p.E19117K:GAG>AAG; c.57349G>A, p.Glu19117Lys (NM_001256850.1); c.35077G>A, p.Glu11693Lys (NM_003319.4); c.54568G>A, p.Glu18190Lys (NM_133378.4); c.35452G>A, p.Glu11818Lys (NM_133432.3); c.35653G>A, p.Glu11885Lys (NM_133437.4); short protein forms E19117K, E20758K, E11818K, E11885K, E18190K, E11693K.
Identifiers: ClinVar variation 202759 (VCV000202759.4), dbSNP rs794729470, ClinGen allele CA310197.

ClinVar aggregate classification (germline): Uncertain significance. Review status: criteria provided, multiple submitters, no conflicts (2 of 4 stars). 3 submissions from 3 submitters: Uncertain significance (3). Last evaluated 2023-06-02.

Conditions:
Myopathy, myofibrillar, 9, with early respiratory failure (MFM9). Also called: EDSTROM MYOPATHY; MYOPATHY, PROXIMAL, WITH EARLY RESPIRATORY MUSCLE INVOLVEMENT; Hereditary myopathy with early respiratory failure; Myopathy, distal, with early respiratory failure, autosomal dominant. Identifiers: Orphanet 178464, Orphanet 34521, MedGen C1863599, MONDO:0011362, OMIM 603689.

Allele frequency attached by ClinVar (database versions not stated): gnomAD exomes 0.00001; TOPMed 0.00002.
gnomAD v4.1: 11 of 1,613,418 alleles (0.00068%); highest among the groups gnomAD compares: Non-Finnish European, 0.00093%; no homozygotes.

Submissions (3):

Women's Health and Genetics/Laboratory Corporation of America, LabCorp
Classification: Uncertain significance. Last evaluated: 2023-06-02. Review status: criteria provided, single submitter. Criteria: LabCorp Variant Classification Summary - May 2015. Collection method: clinical testing. Allele origin: germline.
Comment: Variant summary: TTN c.54568G>A (p.Glu18190Lys) results in a conservative amino acid change located in the A-band region of the encoded protein sequence. Four of four in-silico tools predict a benign effect of the variant on protein function. The variant was absent in 248124 control chromosomes (gnomAD). The available data on variant occurrences in the general population are insufficient to allow any conclusion about variant significance. To our knowledge, no occurrence of c.54568G>A in individuals affected with Limb-Girdle Muscular Dystrophy, Type 2J and no experimental evidence demonstrating its impact on protein function have been reported. One ClinVar submitter has assessed the variant since 2014: the variant was classified as uncertain significance. Based on the evidence outlined above, the variant was classified as uncertain significance.

Baylor Genetics
Classification: Uncertain significance for Myopathy, myofibrillar, 9, with early respiratory failure. Last evaluated: 2018-01-18. Review status: criteria provided, single submitter. Criteria: ACMG Guidelines, 2015. Collection method: clinical testing. Allele origin: maternal. Affected: yes.
Comment: This variant was determined to be of uncertain significance according to ACMG Guidelines, 2015 [PMID:25741868].

GeneDx
Classification: Uncertain significance. Last evaluated: 2014-10-31. Review status: criteria provided, single submitter. Criteria: GeneDx Variant Classification (06012015). Collection method: clinical testing. Allele origin: germline. Affected: yes.
Comment: Missense variants in the TTN gene are considered 'unclassified' if they are not previously reported in the literature and do not have >1% frequency in the population to be considered a polymorphism. Research indicates that truncating mutations in the TTN gene are expected to account for approximately 25% of familial and 18% of sporadic idiopathic DCM; however, truncating variants in the TTN gene have been reported in approximately 3% of reported control alleles. There has been little investigation into non-truncating variants. (Herman D et al. Truncations of titin causing dilated cardiomyopathy. N Eng J Med 366:619-628, 2012) The variant is found in CARDIOMYOPATHY panel(s).